The following is an entry in ClinVar:

ClinVar aggregate classification (germline): Pathogenic (1 of 4 stars; one submission).

Conditions:
Hereditary factor X deficiency disease. Also called: STUART-PROWER FACTOR DEFICIENCY; Congenital factor X deficiency. Identifiers: Orphanet 328, MedGen C0272327, MONDO:0009212, OMIM 227600.

gnomAD v4.1: 2 of 1,613,686 alleles (0.00012%); highest among the groups gnomAD compares: South Asian, 0.0011%; no homozygotes.

Submission:

First Genomix Gene Laboratory, Genetic Diagnostics Department
Classification: Pathogenic for Hereditary factor X deficiency disease. Last evaluated: 2025-03-26. Review status: criteria provided, single submitter. Criteria: ACMG Guidelines, 2015. Collection method: clinical testing. Allele origin: germline. Inheritance: Autosomal recessive inheritance. Affected: no. Observed: 1 variant allele.

NM_000504.4(F10):c.71-1G>C

Genes: F10 (coagulation factor X; plus strand), F10-AS1 (F10 antisense RNA 1; minus strand). Cytogenetic location: 13q34.
Variant type: single nucleotide variant.
Coding change: c.71-1G>C on transcript NM_000504.4 (MANE Select); the canonical splice acceptor site of the intron before coding-DNA position 71, G replaced by C.
Molecular consequence: splice acceptor variant.
Genome position (GRCh38, 1-based): chr13:113,129,451, G>C. VCF-style: chr13-113129451-G-C. GRCh37 (hg19) VCF-style: chr13-113783765-G-C.
Other names: c.71-1G>C (NM_001312675.2, NM_001312674.2).
Identifiers: ClinVar variation 4845820 (VCV004845820.1).
Genomic context (GRCh38, chr13:113,129,451, plus strand): 5'-GTGAGGGGGAGCCTGGGTGAGGGTGACCAGAGCTTTTAACCCTGTCCTCCCTGCCTTCCA[G>C]TGTTCATCCGCAGGGAGCAGGCCAACAACATCCTGGCGAGGGTCACGAGGGCCAATTCCT-3'